The following is an entry in ClinVar:

ClinVar aggregate classification (germline): Conflicting classifications of pathogenicity. Review status: criteria provided, conflicting classifications (1 of 4 stars). 11 submissions from 11 submitters: Uncertain significance (10); Likely benign (1). Last evaluated 2026-03-27.

Conditions:
Cardiomyopathy (CMYO). Also called: Cardiomyopathies. Identifiers: Orphanet 167848, MedGen C0878544, MONDO:0004994, HP:0001638. Inheritance: Various modes of inheritance.
Cardiovascular phenotype. Identifiers: MedGen CN230736.
Arrhythmogenic right ventricular dysplasia 2. Identifiers: MedGen C1832931.
Catecholaminergic polymorphic ventricular tachycardia 1. Also called: RYR2-Related Catecholaminergic Polymorphic Ventricular Tachycardia; VENTRICULAR TACHYCARDIA, STRESS-INDUCED POLYMORPHIC 1; VENTRICULAR TACHYCARDIA, CATECHOLAMINERGIC POLYMORPHIC, 1, WITH OR WITHOUT ATRIAL DYSFUNCTION AND/OR DILATED CARDIOMYOPATHY. Identifiers: Orphanet 3286, MedGen C1631597, MONDO:0011484, OMIM 604772.
Catecholaminergic polymorphic ventricular tachycardia (CVPT). Also called: Catecholamine-induced polymorphic ventricular tachycardia. Identifiers: Orphanet 3286, MedGen C5574922, MONDO:0017990.

Allele frequency attached by ClinVar (database versions not stated): gnomAD exomes 0.00004 and 0.00009; ExAC 0.00005; TOPMed 0.00005; gnomAD 0.00006 and 0.00009; ESP Exome Variant Server 0.00008; 1000 Genomes Project 30x 0.00016; 1000 Genomes Project 0.00020.
gnomAD v4.1: 77 of 1,613,838 alleles (0.0048%); highest among the groups gnomAD compares: Middle Eastern, 0.066%; 1 homozygote.

Submissions (11):

Molecular Diagnostic Laboratory for Inherited Cardiovascular Disease, Montreal Heart Institute
Classification: Uncertain significance for Cardiovascular phenotype. Last evaluated: 2026-03-27. Review status: criteria provided, single submitter. Criteria: ACMG Guidelines, 2015. Collection method: clinical testing. Allele origin: germline. Affected: yes.
Comment: BS1, PP2

Labcorp Genetics (formerly Invitae), Labcorp
Classification: Uncertain significance for Catecholaminergic polymorphic ventricular tachycardia 1. Last evaluated: 2026-01-06. Review status: criteria provided, single submitter. Criteria: Invitae Variant Classification Sherloc (09022015). Collection method: clinical testing. Allele origin: germline.
Comment: This sequence change replaces threonine, which is neutral and polar, with methionine, which is neutral and non-polar, at codon 2107 of the RYR2 protein (p.Thr2107Met). This variant is present in population databases (rs370331492, gnomAD 0.02%). This missense change has been observed in individual(s) with arrhythmogenic cardiomyopathy with right dominant form and/or clinical features of catecholaminergic polymorphic ventricular tachycardia (PMID: 31737537, 35819174). ClinVar contains an entry for this variant (Variation ID: 178121). Invitae Evidence Modeling of protein sequence and biophysical properties (such as structural, functional, and spatial information, amino acid conservation, physicochemical variation, residue mobility, and thermodynamic stability) indicates that this missense variant is expected to disrupt RYR2 protein function with a positive predictive value of 95%. In summary, the available evidence is currently insufficient to determine the role of this variant in disease. Therefore, it has been classified as a Variant of Uncertain Significance.

GeneDx
Classification: Uncertain significance. Last evaluated: 2025-10-01. Review status: criteria provided, single submitter. Criteria: GeneDx Variant Classification Process June 2021. Collection method: clinical testing. Allele origin: germline. Affected: yes.
Comment: Reported in association with arrythmogenic cardiomyopathy and catecholaminergic polymorphic ventricular tachycardia (CPVT) (PMID: 28404607, 31737537, 35819174); Not located in one of the three hot-spot regions of the RYR2 gene, where the majority of pathogenic missense variants occur (PMID: 19926015); In silico analysis supports that this missense variant has a deleterious effect on protein structure/function; This variant is associated with the following publications: (PMID: 35932045, 35819174, 28404607, 31737537, 19926015)

Mayo Clinic Laboratories, Mayo Clinic
Classification: Uncertain significance. Last evaluated: 2025-06-25. Review status: criteria provided, single submitter. Criteria: ACMG Guidelines, 2015. Collection method: clinical testing. Allele origin: germline. Observed: 1 variant allele.
Comment: PP2, PM2_supporting, PS4_supporting

Ambry Genetics
Classification: Uncertain significance for Cardiovascular phenotype. Last evaluated: 2024-11-05. Review status: criteria provided, single submitter. Criteria: Ambry Variant Classification Scheme 2023. Collection method: clinical testing. Allele origin: germline.
Comment: The p.T2107M variant (also known as c.6320C>T), located in coding exon 41 of the RYR2 gene, results from a C to T substitution at nucleotide position 6320. The threonine at codon 2107 is replaced by methionine, an amino acid with similar properties. This alteration has been detected in a cohort referred for whole exome sequencing and in a cohort referred for suspicion of various arrhythmogenic disorders (Landstrom AP et al. Circ Arrhythm Electrophysiol, 2017 Apr;10; Marschall C et al. Cardiovasc Diagn Ther, 2019 Oct;9:S292-S298; Bajaj A et al. Hum Genomics, 2022 Aug;16:30). This variant has also been reported in cardiomyopathy cohorts (Ware SM et al. Am J Hum Genet, 2022 Feb;109:282-298; Goudal A et al. Hum Mutat, 2022 Sep;43:1333-1342). This amino acid position is highly conserved in available vertebrate species. In addition, the in silico prediction for this alteration is inconclusive. Since supporting evidence is limited at this time, the clinical significance of this alteration remains unclear.

All of Us Research Program, National Institutes of Health
Classification: Uncertain significance for Catecholaminergic polymorphic ventricular tachycardia. Last evaluated: 2024-05-30. Review status: criteria provided, single submitter. Criteria: ACMG Guidelines, 2015. Collection method: clinical testing. Allele origin: germline. Inheritance: Autosomal dominant inheritance. Observed: 23 variant alleles, 23 heterozygotes.
Comment: This variant is located in the RYR2 protein. Computational prediction suggests that this variant may have deleterious impact on protein structure and function (internally defined REVEL score threshold >= 0.7, PMID: 27666373). To our knowledge, functional studies have not been reported for this variant. This variant has been reported in an individual affected with catecholaminergic polymorphic ventricular tachycardia (Marschall et al., 2019). This variant has also been identified in 22/249170 chromosomes in the general population by the Genome Aggregation Database (gnomAD). The available evidence is insufficient to determine the role of this variant in disease conclusively. Therefore, this variant is classified as a Variant of Uncertain Significance.

This study involves interpretation of variants in research participants for the purpose of population health screening. Participant phenotype was not available at the time of variant classification. Additional details can be found in publication PMID: 35346344, PMCID: PMC8962531

Color Diagnostics, LLC DBA Color Health
Classification: Uncertain significance for Cardiomyopathy. Last evaluated: 2024-05-03. Review status: criteria provided, single submitter. Criteria: ACMG Guidelines, 2015. Collection method: clinical testing. Allele origin: germline.
Comment: This missense variant replaces threonine with methionine at codon 2107 of the RYR2 protein. Computational prediction suggests that this variant may have deleterious impact on protein structure and function. To our knowledge, functional studies have not been reported for this variant. This variant has been reported in an individual affected with catecholaminergic polymorphic ventricular tachycardia (Marschall et al., 2019). This variant has been identified in 22/249170 chromosomes in the general population by the Genome Aggregation Database (gnomAD). The available evidence is insufficient to determine the role of this variant in disease conclusively. Therefore, this variant is classified as a Variant of Uncertain Significance.

Blueprint Genetics
Classification: Likely benign. Last evaluated: 2024-02-05. Review status: criteria provided, single submitter. Criteria: ACMG Guidelines, 2015. Collection method: clinical testing. Allele origin: germline.

Fulgent Genetics
Classification: Uncertain significance for Catecholaminergic polymorphic ventricular tachycardia 1. Last evaluated: 2018-10-31. Review status: criteria provided, single submitter. Criteria: ACMG Guidelines, 2015. Collection method: clinical testing. Allele origin: unknown.

Baylor Genetics
Classification: Uncertain significance for Catecholaminergic polymorphic ventricular tachycardia 1. Last evaluated: 2018-07-06. Review status: criteria provided, single submitter. Criteria: ACMG Guidelines, 2015. Collection method: clinical testing. Allele origin: unknown. Affected: yes.
Comment: This variant was determined to be of uncertain significance according to ACMG Guidelines, 2015 [PMID:25741868].

Laboratory for Molecular Medicine, Mass General Brigham Personalized Medicine
Classification: Uncertain significance. Last evaluated: 2013-07-18. Review status: criteria provided, single submitter. Criteria: LMM Criteria. Collection method: clinical testing. Allele origin: germline. Observed: 1 variant allele.
Comment: The Thr2107Met variant in RYR2 has not been reported in individuals with cardiom yopathy, but has been identified in 1/8286 European American chromosomes by the NHLBI Exome Sequencing Project. Computationa l analyses (biochemical amino acid properties, conservation, AlignGVGD, PolyPhen 2, and SIFT) suggest that this variant may impact the protein, though this infor mation is not predictive enough to determine pathogenicity. Additional informati on is needed to fully assess the variant's clinical significance.

Literature cited by the submitters: PubMed 31737537 (cited by 3 submitters); PubMed 35819174 (cited by 3 submitters); PubMed 28404607 (cited by Mayo Clinic Laboratories, Mayo Clinic and Ambry Genetics); PubMed 35026164 (cited by Ambry Genetics); PubMed 35932045 (cited by Ambry Genetics).

NM_001035.3(RYR2):c.6320C>T (p.Thr2107Met)

Gene: RYR2 (ryanodine receptor 2; plus strand). Cytogenetic location: 1q43.
Variant type: single nucleotide variant.
Coding change: c.6320C>T on transcript NM_001035.3 (MANE Select); coding-DNA position 6320, C replaced by T.
Protein change: p.Thr2107Met; replaces threonine 2107 with methionine.
Molecular consequence: missense variant.
Genome position (GRCh38, 1-based): chr1:237,627,960, C>T. VCF-style: chr1-237627960-C-T. GRCh37 (hg19) VCF-style: chr1-237791260-C-T.
Other names: short protein forms T2107M.
Identifiers: ClinVar variation 178121 (VCV000178121.33), dbSNP rs370331492, ClinGen allele CA010101.